The following is an entry in ClinVar:

ClinVar aggregate classification (germline): Uncertain significance. Review status: criteria provided, multiple submitters, no conflicts (2 of 4 stars). 11 submissions from 8 submitters: Uncertain significance (11). Last evaluated 2026-04-01.

Conditions:
Congenital myopathy 18. Also called: DIHYDROPYRIDINE RECEPTOR CONGENITAL MYOPATHY; DHPR CONGENITAL MYOPATHY; Myopathy, congenital, due to dihydropyridine receptor defect. Identifiers: MedGen C5830283, MONDO:0859514, OMIM 620246.
Thyrotoxic periodic paralysis, susceptibility to, 1 (TTPP1). Identifiers: Orphanet 79102, MedGen C2749982, MONDO:0008570, OMIM 188580.
Hypokalemic periodic paralysis, type 1. Also called: HypoPP; Hypokalemic Periodic Paralysis Type 1 (AD). Identifiers: Orphanet 681, MedGen C3714580, MONDO:0042979, OMIM 170400.
Malignant hyperthermia, susceptibility to, 5 (MHS5). Also called: CACNA1S-Related Malignant Hyperthermia Susceptibility. Identifiers: Orphanet 423, MedGen C1866077, MONDO:0011163, OMIM 601887.

Allele frequency attached by ClinVar (database versions not stated): ExAC 0.00001; gnomAD 0.00002; TOPMed 0.00002; gnomAD exomes 0.00004.
gnomAD v4.1: 61 of 1,614,134 alleles (0.0038%); highest among the groups gnomAD compares: Middle Eastern, 0.016%; no homozygotes.

Submissions (11):

CeGaT Center for Human Genetics Tuebingen
Classification: Uncertain significance. Last evaluated: 2026-04-01. Review status: criteria provided, single submitter. Criteria: CeGaT Center For Human Genetics Tuebingen Variant Classification Criteria Version 2. Collection method: clinical testing. Allele origin: germline. Affected: yes. Observed: 1 variant allele.
Comment: CACNA1S: PP3

GeneDx
Classification: Uncertain significance. Last evaluated: 2026-01-30. Review status: criteria provided, single submitter. Criteria: GeneDx Variant Classification Process June 2021. Collection method: clinical testing. Allele origin: germline. Affected: yes.
Comment: Has not been previously reported as pathogenic or benign in patients with CACNA1S-related disorders to our knowledge; In silico analysis supports that this missense variant has a deleterious effect on protein structure/function; This variant is associated with the following publications: (PMID: 37234784)

Color Diagnostics, LLC DBA Color Health
Classification: Uncertain significance for Malignant hyperthermia, susceptibility to, 5. Last evaluated: 2024-03-28. Review status: criteria provided, single submitter. Criteria: ACMG Guidelines, 2015. Collection method: clinical testing. Allele origin: germline.
Comment: This missense variant replaces cysteine with glycine at codon 288 of the CACNA1S protein. Computational prediction suggests that this variant may have deleterious impact on protein structure and function. To our knowledge, functional studies have not been reported for this variant. This variant has not been reported in individuals affected with CACNA1S-related disorders in the literature. This variant has been identified in 9/251422 chromosomes in the general population by the Genome Aggregation Database (gnomAD). The available evidence is insufficient to determine the role of this variant in disease conclusively. Therefore, this variant is classified as a Variant of Uncertain Significance.

Fulgent Genetics
Classification: Uncertain significance for Hypokalemic periodic paralysis, type 1; Thyrotoxic periodic paralysis, susceptibility to, 1; Malignant hyperthermia, susceptibility to, 5; Congenital myopathy 18. Last evaluated: 2024-03-15. Review status: criteria provided, single submitter. Criteria: ACMG Guidelines, 2015. Collection method: clinical testing. Allele origin: germline.

Genome-Nilou Lab
Classification: Uncertain significance for Malignant hyperthermia, susceptibility to, 5. Last evaluated: 2023-04-11. Review status: criteria provided, single submitter. Criteria: ACMG Guidelines, 2015. Collection method: clinical testing. Allele origin: germline. Affected: no.

Genome-Nilou Lab
Classification: Uncertain significance for Thyrotoxic periodic paralysis, susceptibility to, 1. Last evaluated: 2023-04-11. Review status: criteria provided, single submitter. Criteria: ACMG Guidelines, 2015. Collection method: clinical testing. Allele origin: germline. Affected: no.

Genome-Nilou Lab
Classification: Uncertain significance for Congenital myopathy 18. Last evaluated: 2023-04-11. Review status: criteria provided, single submitter. Criteria: ACMG Guidelines, 2015. Collection method: clinical testing. Allele origin: germline. Affected: no.

Genome-Nilou Lab
Classification: Uncertain significance for Hypokalemic periodic paralysis, type 1. Last evaluated: 2023-04-11. Review status: criteria provided, single submitter. Criteria: ACMG Guidelines, 2015. Collection method: clinical testing. Allele origin: germline. Affected: no.

Labcorp Genetics (formerly Invitae), Labcorp
Classification: Uncertain significance for Hypokalemic periodic paralysis, type 1; Malignant hyperthermia, susceptibility to, 5. Last evaluated: 2022-10-29. Review status: criteria provided, single submitter. Criteria: Invitae Variant Classification Sherloc (09022015). Collection method: clinical testing. Allele origin: germline.
Comment: This sequence change replaces cysteine, which is neutral and slightly polar, with glycine, which is neutral and non-polar, at codon 288 of the CACNA1S protein (p.Cys288Gly). This variant is present in population databases (rs201585867, gnomAD 0.009%). This variant has not been reported in the literature in individuals affected with CACNA1S-related conditions. ClinVar contains an entry for this variant (Variation ID: 944074). Advanced modeling of protein sequence and biophysical properties (such as structural, functional, and spatial information, amino acid conservation, physicochemical variation, residue mobility, and thermodynamic stability) performed at Invitae indicates that this missense variant is expected to disrupt CACNA1S protein function. In summary, the available evidence is currently insufficient to determine the role of this variant in disease. Therefore, it has been classified as a Variant of Uncertain Significance.

Revvity Omics, Revvity
Classification: Uncertain significance. Last evaluated: 2022-05-08. Review status: criteria provided, single submitter. Criteria: ACMG Guidelines, 2015. Collection method: clinical testing. Allele origin: germline.

Mayo Clinic Laboratories, Mayo Clinic
Classification: Uncertain significance. Last evaluated: 2019-12-02. Review status: criteria provided, single submitter. Criteria: ACMG Guidelines, 2015. Collection method: clinical testing. Allele origin: germline. Observed: 1 variant allele.

NM_000069.3(CACNA1S):c.862T>G (p.Cys288Gly)

Gene: CACNA1S (calcium voltage-gated channel subunit alpha1 S; minus strand). Cytogenetic location: 1q32.1.
Variant type: single nucleotide variant.
Coding change: c.862T>G on transcript NM_000069.3 (MANE Select); coding-DNA position 862, T replaced by G.
Protein change: p.Cys288Gly; replaces cysteine 288 with glycine.
Molecular consequence: missense variant.
Genome position (GRCh38, 1-based): chr1:201,089,296, A>C on the plus strand (T>G on the coding strand, the complement: CACNA1S is on the minus strand). VCF-style: chr1-201089296-A-C. GRCh37 (hg19) VCF-style: chr1-201058424-A-C.
Other names: short protein forms C288G.
Identifiers: ClinVar variation 944074 (VCV000944074.18), dbSNP rs201585867, ClinGen allele CA084023.